The following is an entry in ClinVar:

NM_017617.5(NOTCH1):c.1991G>A (p.Cys664Tyr)

Gene: NOTCH1 (notch receptor 1; minus strand). Cytogenetic location: 9q34.3.
Variant type: single nucleotide variant.
Coding change: c.1991G>A on transcript NM_017617.5 (MANE Select); coding-DNA position 1991, G replaced by A.
Protein change: p.Cys664Tyr; replaces cysteine 664 with tyrosine.
Molecular consequence: missense variant.
Genome position (GRCh38, 1-based): chr9:136,515,313, C>T on the plus strand (G>A on the coding strand, the complement: NOTCH1 is on the minus strand). VCF-style: chr9-136515313-C-T. GRCh37 (hg19) VCF-style: chr9-139409765-C-T.
Other names: short protein forms C664Y.
Identifiers: ClinVar variation 3667097 (VCV003667097.2).
Genomic context (GRCh38, chr9:136,515,313, plus strand): 5'-CACAGTGCAGTCAGCCCCCACGTGCAGGGCCGCTCACCTGTGTAGCCCGGCTCACAGGCA[C>T]ACTCGTAGCCATCGATCTTGTCCAGACAGGTGCCCGAGTCGCAGGGGCTGCTGGCACAGT-3'
Protein context (NP_060087.3, residues 654-674): TCLDKIDGYE[Cys664Tyr]ACEPGYTGSM

ClinVar aggregate classification (germline): Uncertain significance (1 of 4 stars; one submission).

Conditions:
Adams-Oliver syndrome 5 (AOS5). Identifiers: Orphanet 974, MedGen C4014970, MONDO:0014459, OMIM 616028.

Submission:

Labcorp Genetics (formerly Invitae), Labcorp
Classification: Uncertain significance for Adams-Oliver syndrome 5. Last evaluated: 2024-10-26. Review status: criteria provided, single submitter. Criteria: Invitae Variant Classification Sherloc (09022015). Collection method: clinical testing. Allele origin: germline.
Comment: This sequence change replaces cysteine, which is neutral and slightly polar, with tyrosine, which is neutral and polar, at codon 664 of the NOTCH1 protein (p.Cys664Tyr). This variant is not present in population databases (gnomAD no frequency). This variant has not been reported in the literature in individuals affected with NOTCH1-related conditions. Invitae Evidence Modeling of protein sequence and biophysical properties (such as structural, functional, and spatial information, amino acid conservation, physicochemical variation, residue mobility, and thermodynamic stability) has been performed for this missense variant. However, the output from this modeling did not meet the statistical confidence thresholds required to predict the impact of this variant on NOTCH1 protein function. In summary, the available evidence is currently insufficient to determine the role of this variant in disease. Therefore, it has been classified as a Variant of Uncertain Significance.